The following is an entry in ClinVar:

ClinVar aggregate classification (germline): Likely benign. Review status: criteria provided, multiple submitters, no conflicts (2 of 4 stars). 5 submissions from 5 submitters: Likely benign (4). 1 of the submissions does not count toward it. Last evaluated 2025-11-01.

Conditions:
LYST-related disorder. Also called: LYST-related condition.
Chédiak-Higashi syndrome (CHS). Also called: Chediak-Higashi Syndrome. Identifiers: Orphanet 167, MedGen C0007965, MONDO:0008963, OMIM 214500.

Allele frequency attached by ClinVar (database versions not stated): gnomAD 0.00005; gnomAD exomes 0.00005; TOPMed 0.00005; ESP Exome Variant Server 0.00008; ExAC 0.00021.
gnomAD v4.1: 76 of 1,612,140 alleles (0.0047%); highest among the groups gnomAD compares: Non-Finnish European, 0.0061%; no homozygotes.

Submissions (5):

CeGaT Center for Human Genetics Tuebingen
Classification: Likely benign. Last evaluated: 2025-11-01. Review status: criteria provided, single submitter. Criteria: CeGaT Center For Human Genetics Tuebingen Variant Classification Criteria Version 2. Collection method: clinical testing. Allele origin: germline. Affected: yes. Observed: 1 variant allele.
Comment: LYST: BP4, BP7

Labcorp Genetics (formerly Invitae), Labcorp
Classification: Likely benign for Chédiak-Higashi syndrome. Last evaluated: 2025-07-21. Review status: criteria provided, single submitter. Criteria: Invitae Variant Classification Sherloc (09022015). Collection method: clinical testing. Allele origin: germline.

Mayo Clinic Laboratories, Mayo Clinic
Classification: Likely benign. Last evaluated: 2025-07-10. Review status: criteria provided, single submitter. Criteria: ACMG Guidelines, 2015. Collection method: clinical testing. Allele origin: germline. Observed: 2 variant alleles.
Comment: BP4, BP7

Blueprint Genetics
Classification: Likely benign. Last evaluated: 2021-11-10. Review status: criteria provided, single submitter. Criteria: ACMG Guidelines, 2015. Collection method: clinical testing. Allele origin: germline.

PreventionGenetics, part of Exact Sciences
Classification: Likely benign for LYST-related condition. Last evaluated: 2022-08-29. Review status: no assertion criteria provided. Collection method: clinical testing. Allele origin: germline. Not counted in ClinVar's aggregate classification.
Comment: This variant is classified as likely benign based on ACMG/AMP sequence variant interpretation guidelines (Richards et al. 2015 PMID: 25741868, with internal and published modifications).

NM_000081.4(LYST):c.10848A>G (p.Thr3616=)

Gene: LYST (lysosomal trafficking regulator; minus strand). Cytogenetic location: 1q42.3.
Variant type: single nucleotide variant.
Coding change: c.10848A>G on transcript NM_000081.4 (MANE Select); coding-DNA position 10848, A replaced by G.
Protein change: p.Thr3616=; no amino-acid change (threonine 3616 retained).
Molecular consequence: synonymous variant.
Genome position (GRCh38, 1-based): chr1:235,677,572, T>C on the plus strand (A>G on the coding strand, the complement: LYST is on the minus strand). VCF-style: chr1-235677572-T-C. GRCh37 (hg19) VCF-style: chr1-235840872-T-C.
Other names: p.Thr3616=; c.10848A>G, p.Thr3616= (NM_001301365.1); c.10848A>G (NM_000081.3).
Identifiers: ClinVar variation 1111843 (VCV001111843.17), dbSNP rs368343984, ClinGen allele CA1465273.